The following is an entry in ClinVar:

ClinVar aggregate classification (germline): Likely benign. Review status: criteria provided, multiple submitters, no conflicts (2 of 4 stars). 3 submissions from 3 submitters: Likely benign (2). 1 of the submissions does not count toward it. Last evaluated 2025-12-01.

Conditions:
PLOD3-related disorder. Also called: PLOD3-related condition.

Allele frequency attached by ClinVar (database versions not stated): 1000 Genomes Project 30x 0.00047; 1000 Genomes Project 0.00060; gnomAD 0.00006 and 0.00015; TOPMed 0.00008; gnomAD exomes 0.00009; ExAC 0.00017.
gnomAD v4.1: 201 of 1,614,050 alleles (0.012%); highest among the groups gnomAD compares: East Asian, 0.38%; no homozygotes.

Submissions (3):

Labcorp Genetics (formerly Invitae), Labcorp
Classification: Likely benign. Last evaluated: 2025-12-01. Review status: criteria provided, single submitter. Criteria: Invitae Variant Classification Sherloc (09022015). Collection method: clinical testing. Allele origin: germline.

CeGaT Center for Human Genetics Tuebingen
Classification: Likely benign. Last evaluated: 2025-02-01. Review status: criteria provided, single submitter. Criteria: CeGaT Center For Human Genetics Tuebingen Variant Classification Criteria Version 2. Collection method: clinical testing. Allele origin: germline. Affected: yes. Observed: 1 variant allele.
Comment: PLOD3: BP4, BP7

PreventionGenetics, part of Exact Sciences
Classification: Likely benign for PLOD3-related condition. Last evaluated: 2019-03-29. Review status: no assertion criteria provided. Collection method: clinical testing. Allele origin: germline. Not counted in ClinVar's aggregate classification.
Comment: This variant is classified as likely benign based on ACMG/AMP sequence variant interpretation guidelines (Richards et al. 2015 PMID: 25741868, with internal and published modifications).

NM_001084.5(PLOD3):c.477G>A (p.Thr159=)

Gene: PLOD3 (procollagen-lysine,2-oxoglutarate 5-dioxygenase 3; minus strand). Cytogenetic location: 7q22.1.
Variant type: single nucleotide variant.
Coding change: c.477G>A on transcript NM_001084.5 (MANE Select); coding-DNA position 477, G replaced by A.
Protein change: p.Thr159=; no amino-acid change (threonine 159 retained).
Molecular consequence: synonymous variant.
Genome position (GRCh38, 1-based): chr7:101,216,188, C>T on the plus strand (G>A on the coding strand, the complement: PLOD3 is on the minus strand). VCF-style: chr7-101216188-C-T. GRCh37 (hg19) VCF-style: chr7-100859469-C-T.
Identifiers: ClinVar variation 733944 (VCV000733944.21), dbSNP rs201433094, ClinGen allele CA4408191.